The following is an entry in ClinVar:

NM_006302.3(MOGS):c.752G>A (p.Gly251Glu)

Gene: MOGS (mannosyl-oligosaccharide glucosidase; minus strand). Cytogenetic location: 2p13.1.
Variant type: single nucleotide variant.
Coding change: c.752G>A on transcript NM_006302.3 (MANE Select); coding-DNA position 752, G replaced by A.
Protein change: p.Gly251Glu; replaces glycine 251 with glutamic acid.
Molecular consequence: missense variant.
Genome position (GRCh38, 1-based): chr2:74,463,214, C>T on the plus strand (G>A on the coding strand, the complement: MOGS is on the minus strand). VCF-style: chr2-74463214-C-T. GRCh37 (hg19) VCF-style: chr2-74690341-C-T.
Other names: c.434G>A, p.Gly145Glu (NM_001146158.2); short protein forms G251E, G145E.
Identifiers: ClinVar variation 1449435 (VCV001449435.6), dbSNP rs2103981412, ClinGen allele CA347379550.

ClinVar aggregate classification (germline): Uncertain significance (1 of 4 stars; one submission).

Conditions:
MOGS-congenital disorder of glycosylation. Also called: MOGS-CDG; CDG IIb; GLUCOSIDASE I DEFICIENCY; CDG 2B. Identifiers: Orphanet 79330, MedGen C1853736, MONDO:0011629, OMIM 606056.

Allele frequency attached by ClinVar (database versions not stated): gnomAD exomes below 0.00001.
gnomAD v4.1: 1 of 1,614,148 alleles (0.000062%); highest among the groups gnomAD compares: Non-Finnish European, 0.000085%; no homozygotes.

Submission:

Labcorp Genetics (formerly Invitae), Labcorp
Classification: Uncertain significance for MOGS-congenital disorder of glycosylation. Last evaluated: 2025-10-13. Review status: criteria provided, single submitter. Criteria: Invitae Variant Classification Sherloc (09022015). Collection method: clinical testing. Allele origin: germline.
Comment: This sequence change replaces glycine, which is neutral and non-polar, with glutamic acid, which is acidic and polar, at codon 251 of the MOGS protein (p.Gly251Glu). This variant is not present in population databases (gnomAD no frequency). This variant has not been reported in the literature in individuals affected with MOGS-related conditions. ClinVar contains an entry for this variant (Variation ID: 1449435). An algorithm developed to predict the effect of missense changes on protein structure and function (PolyPhen-2) suggests that this variant is likely to be tolerated. In summary, the available evidence is currently insufficient to determine the role of this variant in disease. Therefore, it has been classified as a Variant of Uncertain Significance.